The following is an entry in ClinVar:

NM_016151.4(TAOK2):c.701T>C (p.Leu234Ser)

Gene: TAOK2 (TAO kinase 2; plus strand). Cytogenetic location: 16p11.2.
Variant type: single nucleotide variant.
Coding change: c.701T>C on transcript NM_016151.4 (MANE Select); coding-DNA position 701, T replaced by C.
Protein change: p.Leu234Ser; replaces leucine 234 with serine.
Molecular consequence: missense variant.
Genome position (GRCh38, 1-based): chr16:29,981,706, T>C. VCF-style: chr16-29981706-T-C. GRCh37 (hg19) VCF-style: chr16-29993027-T-C.
Other names: c.701T>C, p.Leu234Ser (NM_001252043.2, NM_004783.4); short protein forms L234S.
Identifiers: ClinVar variation 1416071 (VCV001416071.8), dbSNP rs2150891146, ClinGen allele CA395473982.
Genomic context (GRCh38, chr16:29,981,706, plus strand): 5'-CACCTTTTTCTGTAGCTGAACGGAAACCACCGCTCTTTAACATGAATGCGATGAGTGCCT[T>C]ATACCACATTGCACAGAACGAATCCCCCGTGCTCCAGTCAGGACACTGGTGAGGACTGAG-3'
Protein context (NP_057235.2, residues 224-244): PLFNMNAMSA[Leu234Ser]YHIAQNESPV

ClinVar aggregate classification (germline): Uncertain significance (1 of 4 stars; one submission).

Submission:

Labcorp Genetics (formerly Invitae), Labcorp
Classification: Uncertain significance. Last evaluated: 2021-05-10. Review status: criteria provided, single submitter. Criteria: Invitae Variant Classification Sherloc (09022015). Collection method: clinical testing. Allele origin: germline.
Comment: In summary, the available evidence is currently insufficient to determine the role of this variant in disease. Therefore, it has been classified as a Variant of Uncertain Significance. Algorithms developed to predict the effect of missense changes on protein structure and function (SIFT, PolyPhen-2, Align-GVGD) all suggest that this variant is likely to be disruptive, but these predictions have not been confirmed by published functional studies and their clinical significance is uncertain. This variant has not been reported in the literature in individuals with TAOK2-related conditions. This variant is not present in population databases (ExAC no frequency). This sequence change replaces leucine with serine at codon 234 of the TAOK2 protein (p.Leu234Ser). The leucine residue is highly conserved and there is a large physicochemical difference between leucine and serine.